The following is an entry in ClinVar:

ClinVar aggregate classification (germline): Uncertain significance. Review status: criteria provided, multiple submitters, no conflicts (2 of 4 stars). 2 submissions from 2 submitters: Uncertain significance (2). Last evaluated 2026-04-13.

Conditions:
Inborn genetic diseases. Identifiers: MedGen C0950123, MeSH D030342.

Allele frequency attached by ClinVar (database versions not stated): TOPMed below 0.00001.
gnomAD v4.1: 15 of 1,539,204 alleles (0.00097%); highest among the groups gnomAD compares: Non-Finnish European, 0.0013%; no homozygotes.

Submissions (2):

GeneDx
Classification: Uncertain significance. Last evaluated: 2026-04-13. Review status: criteria provided, single submitter. Criteria: GeneDx Variant Classification Process June 2021. Collection method: clinical testing. Allele origin: germline.
Comment: Not observed at significant frequency in large population cohorts (gnomAD); In silico analysis supports that this missense variant has a deleterious effect on protein structure/function; Has not been previously published as pathogenic or benign to our knowledge

Ambry Genetics
Classification: Uncertain significance for Inborn genetic diseases. Last evaluated: 2023-02-06. Review status: criteria provided, single submitter. Criteria: Ambry Variant Classification Scheme 2023. Collection method: clinical testing. Allele origin: germline.

NM_020771.4(HACE1):c.560G>T (p.Gly187Val)

Gene: HACE1 (HECT domain and ankyrin repeat containing E3 ubiquitin protein ligase 1; minus strand). Cytogenetic location: 6q16.3.
Variant type: single nucleotide variant.
Coding change: c.560G>T on transcript NM_020771.4 (MANE Select); coding-DNA position 560, G replaced by T.
Protein change: p.Gly187Val; replaces glycine 187 with valine.
Molecular consequence: missense variant. On other transcripts: 5 prime UTR variant (1), non-coding transcript variant (5), intron variant (5).
Genome position (GRCh38, 1-based): chr6:104,811,368, C>A on the plus strand (G>T on the coding strand, the complement: HACE1 is on the minus strand). VCF-style: chr6-104811368-C-A. GRCh37 (hg19) VCF-style: chr6-105259243-C-A.
Other names: c.428G>T, p.Gly143Val (NM_001321080.2); c.458G>T, p.Gly153Val (NM_001321083.2); c.326G>T, p.Gly109Val (NM_001350554.2); c.74G>T, p.Gly25Val (NM_001350556.2); c.-224G>T (NM_001350560.2); c.327-14343G>T (NM_001350555.2); c.114-14343G>T (NM_001350557.2, NM_001350558.2, NM_001321084.2); c.36-14343G>T (NM_001350559.2); short protein forms G109V, G25V, G153V, G143V, G187V.
Identifiers: ClinVar variation 2480955 (VCV002480955.3), dbSNP rs1310416537, ClinGen allele CA365133003.